The following is an entry in ClinVar:

ClinVar aggregate classification (germline): Uncertain significance (1 of 4 stars; one submission).

Submission:

GeneDx
Classification: Uncertain significance. Last evaluated: 2025-01-27. Review status: criteria provided, single submitter. Criteria: GeneDx Variant Classification Process June 2021. Collection method: clinical testing. Allele origin: germline.
Comment: Initiation codon variant in a gene for which loss-of-function is not a known mechanism of disease; Not observed at significant frequency in large population cohorts (gnomAD); Has not been previously published as pathogenic or benign to our knowledge

NM_006947.4(SRP72):c.2T>C (p.Met1Thr)

Genes: SRP72 (signal recognition particle 72; plus strand), LOC129992625 (ATAC-STARR-seq lymphoblastoid active region 21580; plus strand). Cytogenetic location: 4q12.
Variant type: single nucleotide variant.
Coding change: c.2T>C on transcript NM_006947.4 (MANE Select); coding-DNA position 2, T replaced by C.
Protein change: p.Met1Thr; changes the start codon (methionine 1).
Molecular consequence: missense variant, initiator codon variant. On other transcripts: non-coding transcript variant (1).
Genome position (GRCh38, 1-based): chr4:56,467,637, T>C. VCF-style: chr4-56467637-T-C. GRCh37 (hg19) VCF-style: chr4-57333803-T-C.
Other names: c.2T>C, p.Met1Thr (NM_001267722.2); short protein forms M1T.
Identifiers: ClinVar variation 3363870 (VCV003363870.2).